The following is an entry in ClinVar:

NM_205836.3(FBXO38):c.52C>A (p.Pro18Thr)

Gene: FBXO38 (F-box protein 38; plus strand). Cytogenetic location: 5q32.
Variant type: single nucleotide variant.
Coding change: c.52C>A on transcript NM_205836.3 (MANE Select); coding-DNA position 52, C replaced by A.
Protein change: p.Pro18Thr; replaces proline 18 with threonine.
Molecular consequence: missense variant.
Genome position (GRCh38, 1-based): chr5:148,394,828, C>A. VCF-style: chr5-148394828-C-A. GRCh37 (hg19) VCF-style: chr5-147774391-C-A.
Other names: c.52C>A, p.Pro18Thr (NM_001271723.2, NM_030793.5); short protein forms P18T.
Identifiers: ClinVar variation 3661538 (VCV003661538.2).

ClinVar aggregate classification (germline): Uncertain significance (1 of 4 stars; one submission).

Conditions:
Distal hereditary motor neuropathy type 2. Identifiers: Orphanet 139525, MedGen C3711384, MeSH C580044, MONDO:0015352.

gnomAD v4.1: 1 of 1,603,300 alleles (0.000062%); highest among the groups gnomAD compares: Non-Finnish European, 0.000085%; no homozygotes.

Submission:

Labcorp Genetics (formerly Invitae), Labcorp
Classification: Uncertain significance for Distal hereditary motor neuropathy type 2. Last evaluated: 2024-08-06. Review status: criteria provided, single submitter. Criteria: Invitae Variant Classification Sherloc (09022015). Collection method: clinical testing. Allele origin: germline.
Comment: This sequence change replaces proline, which is neutral and non-polar, with threonine, which is neutral and polar, at codon 18 of the FBXO38 protein (p.Pro18Thr). This variant is not present in population databases (gnomAD no frequency). This variant has not been reported in the literature in individuals affected with FBXO38-related conditions. Advanced modeling of protein sequence and biophysical properties (such as structural, functional, and spatial information, amino acid conservation, physicochemical variation, residue mobility, and thermodynamic stability) performed at Invitae indicates that this missense variant is not expected to disrupt FBXO38 protein function with a negative predictive value of 80%. In summary, the available evidence is currently insufficient to determine the role of this variant in disease. Therefore, it has been classified as a Variant of Uncertain Significance.